The following is an entry in ClinVar:

ClinVar aggregate classification (germline): Uncertain significance (1 of 4 stars; one submission).

Allele frequency attached by ClinVar (database versions not stated): gnomAD 0.00001.

Submission:

Labcorp Genetics (formerly Invitae), Labcorp
Classification: Uncertain significance. Last evaluated: 2024-11-04. Review status: criteria provided, single submitter. Criteria: Invitae Variant Classification Sherloc (09022015). Collection method: clinical testing. Allele origin: germline.
Comment: This sequence change replaces arginine, which is basic and polar, with histidine, which is basic and polar, at codon 275 of the FOXRED1 protein (p.Arg275His). This variant is present in population databases (rs760863038, gnomAD 0.01%). This variant has not been reported in the literature in individuals affected with FOXRED1-related conditions. ClinVar contains an entry for this variant (Variation ID: 1414994). An algorithm developed to predict the effect of missense changes on protein structure and function outputs the following: PolyPhen-2: "Benign". The histidine amino acid residue is found in multiple mammalian species, which suggests that this missense change does not adversely affect protein function. In summary, the available evidence is currently insufficient to determine the role of this variant in disease. Therefore, it has been classified as a Variant of Uncertain Significance.

NM_017547.4(FOXRED1):c.824G>A (p.Arg275His)

Gene: FOXRED1 (FAD dependent oxidoreductase domain containing 1; plus strand). Cytogenetic location: 11q24.2.
Variant type: single nucleotide variant.
Coding change: c.824G>A on transcript NM_017547.4 (MANE Select); coding-DNA position 824, G replaced by A.
Protein change: p.Arg275His; replaces arginine 275 with histidine.
Molecular consequence: missense variant. On other transcripts: non-coding transcript variant (2).
Genome position (GRCh38, 1-based): chr11:126,276,072, G>A. VCF-style: chr11-126276072-G-A. GRCh37 (hg19) VCF-style: chr11-126145967-G-A.
Other names: short protein forms R275H.
Identifiers: ClinVar variation 1414994 (VCV001414994.4), dbSNP rs760863038, ClinGen allele CA6354238.
Genomic context (GRCh38, chr11:126,276,072, plus strand): 5'-GGTGTGTGGTCCGGGCCTTCCCACTCCTCACCCTCTGGTGTCTGCAGGTGAAGATGGACC[G>A]CAGCCTGGAGTACCAGCCTGTGGAATGCGCCATTGTGATCAACGCAGCCGGAGCCTGGTC-3'
Protein context (NP_060017.1, residues 265-285): RIHEVHVKMD[Arg275His]SLEYQPVECA